The following is an entry in ClinVar:

ClinVar aggregate classification (germline): Uncertain significance (1 of 4 stars; one submission).

Submission:

Ambry Genetics
Classification: Uncertain significance. Last evaluated: 2020-03-11. Review status: criteria provided, single submitter. Criteria: Ambry Variant Classification Scheme 2023. Collection method: clinical testing. Allele origin: germline.
Comment: The c.112dupT variant, located in coding exon 2 of the MARS gene, results from a duplication of T at nucleotide position 112, causing a translational frameshift with a predicted alternate stop codon (p.C38Lfs*10). This alteration is expected to result in premature protein truncation or nonsense-mediated mRNA decay. However, loss of function of MARS has not been clearly established as a mechanism of disease for autosomal dominant Charcot-Marie-Tooth disease. Since supporting evidence is limited at this time, the clinical significance of this alteration remains unclear.

NM_004990.4(MARS1):c.112dup (p.Cys38fs)

Gene: MARS1 (methionyl-tRNA synthetase 1; plus strand). Cytogenetic location: 12q13.3.
Variant type: Duplication.
Coding change: c.112dup on transcript NM_004990.4 (MANE Select); coding-DNA position 112, one base duplicated (T; older notation c.112dupT).
Protein change: p.Cys38fs; shifts the reading frame from cysteine 38.
Molecular consequence: frameshift variant.
Genome position (GRCh38, 1-based): chr12:57,489,021, T duplicated; the last of 2 consecutive T bases (chr12:57,489,020-57,489,021); duplicating either gives the same sequence. VCF-style (leftmost placement, unchanged base first): chr12-57489019-A-AT. GRCh37 (hg19) VCF-style: chr12-57882802-A-AT.
Other names: short protein forms C38fs.
Identifiers: ClinVar variation 1800272 (VCV001800272.2), dbSNP rs1290323790, ClinGen allele CA690278834.
Genomic context (GRCh38, chr12:57,489,019, plus strand): 5'-ACAAAGTATTTCTTTTCTTTTCCTTTTTTTTTTTTAACCCATTTTCCATTCTTGCATCAG[A>AT]TTGTGTGGTCCCGTTCCTGACCCGGCCTAAGGTCCCTGTCTTGCAGCTGGATAGCGGCAA-3'